The following is an entry in ClinVar:

ClinVar aggregate classification (germline): Conflicting classifications of pathogenicity. Review status: criteria provided, conflicting classifications (1 of 4 stars). 4 submissions from 4 submitters: Uncertain significance (1); Likely benign (3). Last evaluated 2026-02-01.

Allele frequency attached by ClinVar (database versions not stated): 1000 Genomes Project 0.00120; 1000 Genomes Project 30x 0.00141; ESP Exome Variant Server 0.00152; TOPMed 0.00178.
gnomAD v4.1: 435 of 1,613,848 alleles (0.027%); highest among the groups gnomAD compares: African/African-American, 0.52%; 1 homozygote.

Submissions (4):

CeGaT Center for Human Genetics Tuebingen
Classification: Likely benign. Last evaluated: 2026-02-01. Review status: criteria provided, single submitter. Criteria: CeGaT Center For Human Genetics Tuebingen Variant Classification Criteria Version 2. Collection method: clinical testing. Allele origin: germline. Affected: yes. Observed: 1 variant allele.
Comment: GEMIN4: BP4

Ambry Genetics
Classification: Uncertain significance. Last evaluated: 2025-08-05. Review status: criteria provided, single submitter. Criteria: Ambry Variant Classification Scheme 2023. Collection method: clinical testing. Allele origin: germline.

Blueprint Genetics
Classification: Likely benign. Last evaluated: 2024-09-18. Review status: criteria provided, single submitter. Criteria: ACMG Guidelines, 2015. Collection method: clinical testing. Allele origin: germline.

Labcorp Genetics (formerly Invitae), Labcorp
Classification: Likely benign. Last evaluated: 2019-12-31. Review status: criteria provided, single submitter. Criteria: Invitae Variant Classification Sherloc (09022015). Collection method: clinical testing. Allele origin: germline.

NM_015721.3(GEMIN4):c.626C>A (p.Ala209Glu)

Gene: GEMIN4 (gem nuclear organelle associated protein 4; minus strand). Cytogenetic location: 17p13.3.
Variant type: single nucleotide variant.
Coding change: c.626C>A on transcript NM_015721.3 (MANE Select); coding-DNA position 626, C replaced by A.
Protein change: p.Ala209Glu; replaces alanine 209 with glutamic acid.
Molecular consequence: missense variant.
Genome position (GRCh38, 1-based): chr17:747,417, G>T on the plus strand (C>A on the coding strand, the complement: GEMIN4 is on the minus strand). VCF-style: chr17-747417-G-T. GRCh37 (hg19) VCF-style: chr17-650657-G-T.
Other names: short protein forms A209E.
Identifiers: ClinVar variation 785547 (VCV000785547.10), dbSNP rs201544259, ClinGen allele CA8262855.